The following is an entry in ClinVar:

NM_001384900.1(SEMA3D):c.427A>G (p.Ile143Val)

Gene: SEMA3D (semaphorin 3D; minus strand). Cytogenetic location: 7q21.11.
Variant type: single nucleotide variant.
Coding change: c.427A>G on transcript NM_001384900.1 (MANE Select); coding-DNA position 427, A replaced by G.
Protein change: p.Ile143Val; replaces isoleucine 143 with valine.
Molecular consequence: missense variant.
Genome position (GRCh38, 1-based): chr7:85,073,030, T>C on the plus strand (A>G on the coding strand, the complement: SEMA3D is on the minus strand). VCF-style: chr7-85073030-T-C. GRCh37 (hg19) VCF-style: chr7-84702346-T-C.
Other names: c.427A>G, p.Ile143Val (NM_001384901.1, NM_001384902.1, NM_001384903.1 and 1 more transcripts); short protein forms I143V.
Identifiers: ClinVar variation 4997554 (VCV004997554.1).
Genomic context (GRCh38, chr7:85,073,030, plus strand): 5'-AGACTCCAAGATCAATATACCCACATATTGGATGAAATGCTCCAGTTCCACACACATATA[T>C]GTGAGTTTTGTTATAGGGCTGAAGTACTCTGATGAAATTTGCACATTCTGTCTGTTGGGC-3'
Protein context (NP_001371829.1, residues 133-153): RVLQPYNKTH[Ile143Val]YVCGTGAFHP

ClinVar aggregate classification (germline): Uncertain significance (1 of 4 stars; one submission).

Conditions:
SEMA3D-related disorder. Also called: SEMA3D-related condition.

gnomAD v4.1: 2 of 1,611,994 alleles (0.00012%); highest among the groups gnomAD compares: Non-Finnish European, 0.000085%; no homozygotes.

Submission:

PreventionGenetics, part of Exact Sciences
Classification: Uncertain significance for SEMA3D-related condition. Last evaluated: 2025-04-10. Review status: criteria provided, single submitter. Criteria: ACMG Guidelines, 2015. Collection method: clinical testing. Allele origin: germline.
Comment: The SEMA3D c.427A>G variant is predicted to result in the amino acid substitution p.Ile143Val. To our knowledge, this variant has not been reported in the literature or in a large population database (gnomAD), indicating this variant is rare. At this time, the clinical significance of this variant is uncertain due to the absence of conclusive functional and genetic evidence.